The following is an entry in ClinVar:

ClinVar aggregate classification (germline): Pathogenic. Review status: criteria provided, multiple submitters, no conflicts (2 of 4 stars). 3 submissions from 3 submitters: Pathogenic (2). 1 of the submissions does not count toward it. Last evaluated 2026-01-20.

Allele frequency attached by ClinVar (database versions not stated): TOPMed below 0.00001; ExAC 0.00002; gnomAD exomes 0.00002.
gnomAD v4.1: 11 of 1,613,974 alleles (0.00068%); highest among the groups gnomAD compares: Admixed American, 0.0033%; no homozygotes.

Submissions (3):

Labcorp Genetics (formerly Invitae), Labcorp
Classification: Pathogenic. Last evaluated: 2026-01-20. Review status: criteria provided, single submitter. Criteria: Invitae Variant Classification Sherloc (09022015). Collection method: clinical testing. Allele origin: germline.
Comment: This sequence change replaces arginine, which is basic and polar, with glutamine, which is neutral and polar, at codon 507 of the ADAMTS13 protein (p.Arg507Gln). This variant is present in population databases (rs281875296, gnomAD 0.006%). This missense change has been observed in individuals with congenital thrombotic thrombocytopenic purpura (PMID: 15009458, 30792199). ClinVar contains an entry for this variant (Variation ID: 68802). Invitae Evidence Modeling of protein sequence and biophysical properties (such as structural, functional, and spatial information, amino acid conservation, physicochemical variation, residue mobility, and thermodynamic stability) indicates that this missense variant is expected to disrupt ADAMTS13 protein function with a positive predictive value of 80%. For these reasons, this variant has been classified as Pathogenic.

Mayo Clinic Laboratories, Mayo Clinic
Classification: Pathogenic. Last evaluated: 2025-04-30. Review status: criteria provided, single submitter. Criteria: ACMG Guidelines, 2015. Collection method: clinical testing. Allele origin: germline. Observed: 1 variant allele.
Comment: PM2_supporting, PM3_strong, PS3, PS4_very_strong

UniProtKB/Swiss-Prot
No classification provided. Review status: no classification provided. Collection method: not provided. Allele origin: not provided. Not counted in ClinVar's aggregate classification.

Literature cited by the submitters: PubMed 15009458 (cited by Labcorp Genetics (formerly Invitae), Labcorp and Mayo Clinic Laboratories, Mayo Clinic); PubMed 30792199 (cited by Labcorp Genetics (formerly Invitae), Labcorp and Mayo Clinic Laboratories, Mayo Clinic); PubMed 16807643 (cited by Mayo Clinic Laboratories, Mayo Clinic); PubMed 17849048 (cited by Mayo Clinic Laboratories, Mayo Clinic); PubMed 22529288 (cited by Mayo Clinic Laboratories, Mayo Clinic); PubMed 23346910 (cited by Mayo Clinic Laboratories, Mayo Clinic); PubMed 24499950 (cited by Mayo Clinic Laboratories, Mayo Clinic); PubMed 26566785 (cited by Mayo Clinic Laboratories, Mayo Clinic); PubMed 26830967 (cited by Mayo Clinic Laboratories, Mayo Clinic); PubMed 30312976 (cited by Mayo Clinic Laboratories, Mayo Clinic); PubMed 34789164 (cited by Mayo Clinic Laboratories, Mayo Clinic); PubMed 37822445 (cited by Mayo Clinic Laboratories, Mayo Clinic).

NM_139027.6(ADAMTS13):c.1520G>A (p.Arg507Gln)

Gene: ADAMTS13 (ADAM metallopeptidase with thrombospondin type 1 motif 13; plus strand). Cytogenetic location: 9q34.2.
Variant type: single nucleotide variant.
Coding change: c.1520G>A on transcript NM_139027.6 (MANE Select); coding-DNA position 1520, G replaced by A.
Protein change: p.Arg507Gln; replaces arginine 507 with glutamine.
Molecular consequence: missense variant.
Genome position (GRCh38, 1-based): chr9:133,437,833, G>A. VCF-style: chr9-133437833-G-A. GRCh37 (hg19) VCF-style: chr9-136302953-G-A.
Other names: c.1520G>A, p.Arg507Gln (NM_139025.5); c.1427G>A, p.Arg476Gln (NM_139026.6); c.1520G>A (NM_139025.4); short protein forms R507Q, R476Q.
Identifiers: ClinVar variation 68802 (VCV000068802.3), dbSNP rs281875296, ClinGen allele CA219983.